The following is an entry in ClinVar:

ClinVar aggregate classification (germline): Pathogenic/Likely pathogenic. Review status: criteria provided, multiple submitters, no conflicts (2 of 4 stars). 3 submissions from 3 submitters: Pathogenic (1); Likely pathogenic (2). Last evaluated 2025-10-01.

Conditions:
Hereditary pheochromocytoma and paraganglioma. Also called: Hereditary pheochromocytoma-paraganglioma; Hereditary Paraganglioma-Pheochromocytoma Syndromes; Hereditary paragangliomas and pheochromocytomas. Identifiers: Orphanet 29072, MedGen C4274332, MONDO:0017366.
Pheochromocytoma/paraganglioma syndrome 3. Also called: GLOMUS TUMORS, FAMILIAL, 3; SDHC-Related Hereditary Paraganglioma-Pheochromocytoma Syndrome; Paragangliomas 3; SDHC-Related Hereditary Paraganglioma-Pheochromocytoma Syndrome (Paragangliomas 3). Identifiers: Orphanet 29072, MedGen C1854336, MONDO:0011544, OMIM 605373.
Gastrointestinal stromal tumor. Also called: Gastrointestinal stromal tumor, somatic; Gastrointestinal stroma tumor. Identifiers: Orphanet 44890, MedGen C0238198, MeSH D046152, MONDO:0011719, OMIM 606764, HP:0100723.
Hereditary cancer-predisposing syndrome. Also called: Hereditary neoplastic syndrome; Neoplastic Syndromes, Hereditary; Hereditary Cancer Syndrome; Tumor predisposition. Identifiers: Orphanet 140162, MedGen C0027672, MeSH D009386, MONDO:0015356.

Submissions (3):

Labcorp Genetics (formerly Invitae), Labcorp
Classification: Pathogenic for Pheochromocytoma/paraganglioma syndrome 3; Gastrointestinal stromal tumor. Last evaluated: 2025-10-01. Review status: criteria provided, single submitter. Criteria: Invitae Variant Classification Sherloc (09022015). Collection method: clinical testing. Allele origin: germline.
Comment: This sequence change affects an acceptor splice site in intron 2 of the SDHC gene. RNA analysis indicates that disruption of this splice site induces altered splicing and likely results in a shortened protein product. This variant is not present in population databases (gnomAD no frequency). This variant has not been reported in the literature in individuals affected with SDHC-related conditions. ClinVar contains an entry for this variant (Variation ID: 534370). Studies have shown that disruption of this splice site results in skipping of skipping of exon 3, but is expected to preserve the integrity of the reading-frame (internal data). This variant disrupts a region of the SDHC protein in which other variant(s) (p.Arg50Cys) have been determined to be pathogenic (PMID: 19351833, 23175444, 23666964, 24102379). This suggests that this is a clinically significant region of the protein, and that variants that disrupt it are likely to be disease-causing. For these reasons, this variant has been classified as Pathogenic.

All of Us Research Program, National Institutes of Health
Classification: Likely pathogenic for Hereditary pheochromocytoma and paraganglioma. Last evaluated: 2024-04-30. Review status: criteria provided, single submitter. Criteria: ACMG Guidelines, 2015. Collection method: clinical testing. Allele origin: germline. Inheritance: Autosomal dominant inheritance. Observed: 1 variant allele, 1 heterozygote.
Comment: This variant disrupts a canonical splice site and is predicted to result in abnormal splicing. Aberrant splicing and/or loss of function is an established disease mechanism. To date, this variant has not been reported in association with human disease in the medical literature. This variant is absent from large population databases, including the Genome Aggregation Database. A different variant in this splice acceptor site (c.78-2A>G) has been previously reported in individuals with pheochromocytoma or paraganglioma (PMID: 18212813, 31666924).

This study involves interpretation of variants in research participants for the purpose of population health screening. Participant phenotype was not available at the time of variant classification. Additional details can be found in publication PMID: 35346344, PMCID: PMC8962531

Ambry Genetics
Classification: Likely pathogenic for Hereditary cancer-predisposing syndrome. Last evaluated: 2023-07-17. Review status: criteria provided, single submitter. Criteria: Ambry Variant Classification Scheme 2023. Collection method: clinical testing. Allele origin: germline.
Comment: The c.78-1G>T intronic variant results from a G to T substitution one nucleotide upstream from coding exon 3 of the SDHC gene. This variant is considered to be rare based on population cohorts in the Genome Aggregation Database (gnomAD). This nucleotide position is highly conserved in available vertebrate species. In silico splice site analysis predicts that this alteration will weaken the native splice acceptor site. RNA studies have demonstrated that this alteration results in abnormal splicing in the set of samples tested (Ambry internal data). Alterations that disrupt the canonical splice site are expected to cause aberrant splicing, resulting in an abnormal protein or a transcript that is subject to nonsense-mediated mRNA decay. As such, this alteration is classified as likely pathogenic.

Literature cited by the submitters: PubMed 19351833 (cited by Labcorp Genetics (formerly Invitae), Labcorp); PubMed 23175444 (cited by Labcorp Genetics (formerly Invitae), Labcorp); PubMed 23666964 (cited by Labcorp Genetics (formerly Invitae), Labcorp); PubMed 24102379 (cited by Labcorp Genetics (formerly Invitae), Labcorp); PubMed 18212813 (cited by All of Us Research Program, National Institutes of Health); PubMed 31666924 (cited by All of Us Research Program, National Institutes of Health).

NM_003001.5(SDHC):c.78-1G>T

Gene: SDHC (succinate dehydrogenase complex subunit C; plus strand). Cytogenetic location: 1q23.3.
Variant type: single nucleotide variant.
Coding change: c.78-1G>T on transcript NM_003001.5 (MANE Select); the canonical splice acceptor site of the intron before coding-DNA position 78, G replaced by T.
Molecular consequence: splice acceptor variant. On other transcripts: intron variant (4).
Genome position (GRCh38, 1-based): chr1:161,328,395, G>T. VCF-style: chr1-161328395-G-T. GRCh37 (hg19) VCF-style: chr1-161298185-G-T.
Other names: c.-34-1G>T (NM_001407119.1, NM_001407120.1); c.78-1G>T (NM_001407115.1, NM_001035511.3); c.77+4725G>T (NM_001035512.3, NM_001278172.3, NM_001407118.1); c.21-1G>T (NM_001407116.1, NM_001407121.1, NM_001407117.1); c.21-12199G>T (NM_001035513.3).
Identifiers: ClinVar variation 534370 (VCV000534370.13), dbSNP rs786202200, ClinGen allele CA343360805.
Genomic context (GRCh38, chr1:161,328,395, plus strand): 5'-ATGCAAAATATTAAACCAAGTTTACTTTTAGTTATTTTCAAACGGTCTGGTTTTATTTTA[G>T]TGCTGTTCCTTTGGGAACCACGGCCAAAGAAGAGATGGAGCGGTTCTGGAATAAGAATAT-3'